The following is an entry in ClinVar:

NM_018834.6(MATR3):c.1377G>A (p.Ala459=)

Gene: MATR3 (matrin 3; plus strand). Cytogenetic location: 5q31.2.
Variant type: single nucleotide variant.
Coding change: c.1377G>A on transcript NM_018834.6 (MANE Select); coding-DNA position 1377, G replaced by A.
Protein change: p.Ala459=; no amino-acid change (alanine 459 retained).
Molecular consequence: synonymous variant.
Genome position (GRCh38, 1-based): chr5:139,318,976, G>A. VCF-style: chr5-139318976-G-A. GRCh37 (hg19) VCF-style: chr5-138654665-G-A.
Other names: c.1377G>A, p.Ala459= (NM_001194954.2, NM_001194955.2, NM_199189.3); c.513G>A, p.Ala171= (NM_001194956.2); c.363G>A, p.Ala121= (NM_001282278.2).
Identifiers: ClinVar variation 474078 (VCV000474078.14), dbSNP rs147356202, ClinGen allele CA3433136.

ClinVar aggregate classification (germline): Likely benign. Review status: criteria provided, single submitter (1 of 4 stars). 2 submissions from 2 submitters: Likely benign (1). 1 of the submissions does not count toward it. Last evaluated 2025-02-25.

Conditions:
Amyotrophic lateral sclerosis type 21. Also called: VOCAL CORD AND PHARYNGEAL DYSFUNCTION WITH DISTAL MYOPATHY; MYOPATHY, DISTAL, 2. Identifiers: Orphanet 600, Orphanet 803, MedGen C3807521, MONDO:0011632, OMIM 606070.
MATR3-related disorder. Also called: MATR3-related condition.

Allele frequency attached by ClinVar (database versions not stated): gnomAD exomes 0.00001 and 0.00002; ExAC 0.00005; gnomAD 0.00013 and 0.00014; TOPMed 0.00014; ESP Exome Variant Server 0.00023.
gnomAD v4.1: 34 of 1,613,636 alleles (0.0021%); highest among the groups gnomAD compares: African/African-American, 0.04%; no homozygotes.

Submissions (2):

Labcorp Genetics (formerly Invitae), Labcorp
Classification: Likely benign for Amyotrophic lateral sclerosis type 21. Last evaluated: 2025-02-25. Review status: criteria provided, single submitter. Criteria: Invitae Variant Classification Sherloc (09022015). Collection method: clinical testing. Allele origin: germline.

PreventionGenetics, part of Exact Sciences
Classification: Likely benign for MATR3-related condition. Last evaluated: 2019-05-08. Review status: no assertion criteria provided. Collection method: clinical testing. Allele origin: germline. Not counted in ClinVar's aggregate classification.
Comment: This variant is classified as likely benign based on ACMG/AMP sequence variant interpretation guidelines (Richards et al. 2015 PMID: 25741868, with internal and published modifications).